The following is an entry in ClinVar:

NM_002691.4(POLD1):c.2656_2657delinsTT (p.Glu886Leu)

Gene: POLD1 (DNA polymerase delta 1, catalytic subunit; plus strand). Cytogenetic location: 19q13.33.
Variant type: Indel.
Coding change: c.2656_2657delinsTT on transcript NM_002691.4 (MANE Select); coding-DNA positions 2656 to 2657, GA replaced by TT.
Protein change: p.Glu886Leu; replaces glutamic acid 886 with leucine.
Molecular consequence: missense variant. On other transcripts: non-coding transcript variant (1).
Genome position (GRCh38, 1-based): chr19:50,415,529-50,415,530, GA replaced by TT. VCF-style: chr19-50415529-GA-TT. GRCh37 (hg19) VCF-style: chr19-50918786-GA-TT.
Other names: c.2656_2657delinsTT, p.Glu886Leu (NM_001256849.1); c.2734_2735delinsTT, p.Glu912Leu (NM_001308632.1); c.2656_2657delGAinsTT (NM_002691.2); short protein forms E886L, E912L.
Identifiers: ClinVar variation 566294 (VCV000566294.9), dbSNP rs1568637923, ClinGen allele CA891844277.
Genomic context (GRCh38, chr19:50,415,529, plus strand): 5'-GACGTCATCTCGGACCTGCTGTGCAACCGCATCGATATCTCCCAGCTGGTCATCACCAAG[GA>TT]GCTGACCCGCGCGGCCTCCGACTATGCCGGCAAGCAGGCCCACGTGGAGCTGGCCGAGAG-3'
Protein context (NP_002682.2, residues 876-896): IDISQLVITK[Glu886Leu]LTRAASDYAG

ClinVar aggregate classification (germline): Uncertain significance. Review status: criteria provided, multiple submitters, no conflicts (2 of 4 stars). 3 submissions from 3 submitters: Uncertain significance (3). Last evaluated 2025-12-17.

Conditions:
Hereditary cancer-predisposing syndrome. Also called: Tumor predisposition; Neoplastic Syndromes, Hereditary; Hereditary Cancer Syndrome; Hereditary neoplastic syndrome. Identifiers: Orphanet 140162, MedGen C0027672, MeSH D009386, MONDO:0015356.
POLD1-related polyposis and colorectal cancer syndrome (CRCS10). Also called: Colorectal cancer 10; COLORECTAL CANCER, SUSCEPTIBILITY TO, ON CHROMOSOME 19q; Colorectal cancer, susceptibility to, 10. Identifiers: Orphanet 220460, MedGen C2675481, MONDO:0012953, OMIM 612591.
Mandibular hypoplasia-deafness-progeroid syndrome. Also called: Mandibular hypoplasia, deafness, progeroid features, and lipodystrophy syndrome. Identifiers: Orphanet 363649, MedGen C3715192, MONDO:0014157, OMIM 615381.
Immunodeficiency 120. Identifiers: MedGen C5935622, MONDO:0970994, OMIM 620836.

Submissions (3):

Ambry Genetics
Classification: Uncertain significance for Hereditary cancer-predisposing syndrome. Last evaluated: 2025-12-17. Review status: criteria provided, single submitter. Criteria: Ambry Variant Classification Scheme 2023. Collection method: clinical testing. Allele origin: germline.
Comment: The c.2656_2657delGAinsTT variant (also known as p.E886L), located in coding exon 20 of the POLD1 gene, results from an in-frame deletion of GA and insertion of TT at nucleotide positions 2656 to 2657. This results in the substitution of the glutamic acid residue for a leucine residue at codon 886, an amino acid with dissimilar properties. This amino acid position is highly conserved in available vertebrate species. In addition, this variant is predicted to be deleterious by in silico analysis (Choi Y et al. PLoS ONE. 2012; 7(10):e46688). Based on the available evidence, the clinical significance of this variant remains unclear.

Labcorp Genetics (formerly Invitae), Labcorp
Classification: Uncertain significance for POLD1-related polyposis and colorectal cancer syndrome. Last evaluated: 2024-04-15. Review status: criteria provided, single submitter. Criteria: Invitae Variant Classification Sherloc (09022015). Collection method: clinical testing. Allele origin: germline.
Comment: This sequence change replaces glutamic acid, which is acidic and polar, with leucine, which is neutral and non-polar, at codon 886 of the POLD1 protein (p.Glu886Leu). Information on the frequency of this variant in the gnomAD database is not available, as this variant may be reported differently in the database. This variant has not been reported in the literature in individuals affected with POLD1-related conditions. ClinVar contains an entry for this variant (Variation ID: 566294). An algorithm developed to predict the effect of missense changes on protein structure and function (PolyPhen-2) suggests that this variant is likely to be disruptive. In summary, the available evidence is currently insufficient to determine the role of this variant in disease. Therefore, it has been classified as a Variant of Uncertain Significance.

Fulgent Genetics
Classification: Uncertain significance for POLD1-related polyposis and colorectal cancer syndrome; Mandibular hypoplasia-deafness-progeroid syndrome; Immunodeficiency 120. Last evaluated: 2024-03-08. Review status: criteria provided, single submitter. Criteria: ACMG Guidelines, 2015. Collection method: clinical testing. Allele origin: germline.